The following is an entry in ClinVar:

NM_000553.6(WRN):c.4183A>G (p.Asn1395Asp)

Gene: WRN (WRN RecQ like helicase; plus strand). Cytogenetic location: 8p12.
Variant type: single nucleotide variant.
Coding change: c.4183A>G on transcript NM_000553.6 (MANE Select); coding-DNA position 4183, A replaced by G.
Protein change: p.Asn1395Asp; replaces asparagine 1395 with aspartic acid.
Molecular consequence: missense variant.
Genome position (GRCh38, 1-based): chr8:31,167,222, A>G. VCF-style: chr8-31167222-A-G. GRCh37 (hg19) VCF-style: chr8-31024738-A-G.
Other names: short protein forms N1395D.
Identifiers: ClinVar variation 651704 (VCV000651704.4), dbSNP rs1585550300, ClinGen allele CA370910097.

ClinVar aggregate classification (germline): Uncertain significance (1 of 4 stars; one submission).

Conditions:
Werner syndrome (WRN). Identifiers: Orphanet 902, MedGen C0043119, MONDO:0010196, OMIM 277700.

Allele frequency attached by ClinVar (database versions not stated): gnomAD exomes below 0.00001.
gnomAD v4.1: 1 of 1,612,204 alleles (0.000062%); highest among the groups gnomAD compares: Non-Finnish European, 0.000085%; no homozygotes.

Submission:

Labcorp Genetics (formerly Invitae), Labcorp
Classification: Uncertain significance for Werner syndrome. Last evaluated: 2018-11-28. Review status: criteria provided, single submitter. Criteria: Invitae Variant Classification Sherloc (09022015). Collection method: clinical testing. Allele origin: germline.
Comment: This variant is not present in population databases (ExAC no frequency). This sequence change replaces asparagine with aspartic acid at codon 1395 of the WRN protein (p.Asn1395Asp). The asparagine residue is weakly conserved and there is a small physicochemical difference between asparagine and aspartic acid. This variant has not been reported in the literature in individuals with WRN-related conditions. Algorithms developed to predict the effect of missense changes on protein structure and function output the following: SIFT: "Tolerated"; PolyPhen-2: "Benign"; Align-GVGD: "Class C0". The aspartic acid amino acid residue is found in multiple mammalian species, suggesting that this missense change does not adversely affect protein function. These predictions have not been confirmed by published functional studies and their clinical significance is uncertain. In summary, the available evidence is currently insufficient to determine the role of this variant in disease. Therefore, it has been classified as a Variant of Uncertain Significance.